The following is an entry in ClinVar:

NM_001166108.2(PALLD):c.3166C>T (p.Pro1056Ser)

Genes: CBR4 (carbonyl reductase 4; minus strand), PALLD (palladin, cytoskeletal associated protein; plus strand). Cytogenetic location: 4q32.3.
Variant type: single nucleotide variant.
Coding change: c.3166C>T on transcript NM_001166108.2 (MANE Select); coding-DNA position 3166, C replaced by T.
Protein change: p.Pro1056Ser; replaces proline 1056 with serine.
Molecular consequence: missense variant.
Genome position (GRCh38, 1-based): chr4:168,924,362, C>T. VCF-style: chr4-168924362-C-T. GRCh37 (hg19) VCF-style: chr4-169845513-C-T.
Other names: c.1969C>T, p.Pro657Ser (NM_001166109.2); c.1654C>T, p.Pro552Ser (NM_001166110.2); c.994C>T, p.Pro332Ser (NM_001367567.1, NM_001367569.1); c.1045C>T, p.Pro349Ser (NM_001367568.1, NM_001367570.1); c.3115C>T, p.Pro1039Ser (NM_016081.4); short protein forms P1039S, P1056S, P552S, P657S, P349S, P332S.
Identifiers: ClinVar variation 5026240 (VCV005026240.1).

ClinVar aggregate classification (germline): Uncertain significance (1 of 4 stars; one submission).

Submission:

Ambry Genetics
Classification: Uncertain significance. Last evaluated: 2026-08-15. Review status: criteria provided, single submitter. Criteria: Ambry Variant Classification Scheme 2023. Collection method: clinical testing. Allele origin: germline.
Comment: The p.P552S variant (also known as c.1654C>T), located in coding exon 9 of the PALLD gene, results from a C to T substitution at nucleotide position 1654. The proline at codon 552 is replaced by serine, an amino acid with similar properties. This amino acid position is conserved. In addition, this alteration is predicted to be deleterious by in silico analysis. Based on the available evidence, the clinical significance of this variant remains unclear.